The following is an entry in ClinVar:

NM_207346.3(TSEN54):c.1368C>T (p.Asp456=)

Gene: TSEN54 (tRNA splicing endonuclease subunit 54; plus strand). Cytogenetic location: 17q25.1.
Variant type: single nucleotide variant.
Coding change: c.1368C>T on transcript NM_207346.3 (MANE Select); coding-DNA position 1368, C replaced by T.
Protein change: p.Asp456=; no amino-acid change (aspartic acid 456 retained).
Molecular consequence: synonymous variant.
Genome position (GRCh38, 1-based): chr17:75,523,717, C>T. VCF-style: chr17-75523717-C-T. GRCh37 (hg19) VCF-style: chr17-73519798-C-T.
Identifiers: ClinVar variation 193767 (VCV000193767.51), dbSNP rs138560086, ClinGen allele CA200774.

ClinVar aggregate classification (germline): Benign/Likely benign. Review status: criteria provided, multiple submitters, no conflicts (2 of 4 stars). 9 submissions from 9 submitters: Benign (7); Likely benign (1). 1 of the submissions does not count toward it. Last evaluated 2026-02-04.

Conditions:
TSEN54-related disorder. Also called: TSEN54-related condition.
Pontoneocerebellar hypoplasia. Also called: Non-syndromic pontocerebellar hypoplasia; Pontocerebellar hypoplasia. Identifiers: Orphanet 98523, MedGen C1261175, MONDO:0020135.

Allele frequency attached by ClinVar (database versions not stated): gnomAD exomes 0.00029 and 0.00117; ESP Exome Variant Server 0.00031; gnomAD 0.00075 and 0.00084; TOPMed 0.00079; ExAC 0.00118; 1000 Genomes Project 30x 0.00297; 1000 Genomes Project 0.00339.
gnomAD v4.1: 684 of 1,614,108 alleles (0.042%); highest among the groups gnomAD compares: East Asian, 0.76%; 9 homozygotes.

Submissions (9):

Labcorp Genetics (formerly Invitae), Labcorp
Classification: Benign. Last evaluated: 2026-02-04. Review status: criteria provided, single submitter. Criteria: Invitae Variant Classification Sherloc (09022015). Collection method: clinical testing. Allele origin: germline.

Athena Diagnostics
Classification: Benign. Last evaluated: 2024-11-26. Review status: criteria provided, single submitter. Criteria: Athena Diagnostics Criteria. Collection method: clinical testing. Allele origin: unknown.

Blueprint Genetics
Classification: Likely benign. Last evaluated: 2024-11-26. Review status: criteria provided, single submitter. Criteria: ACMG Guidelines, 2015. Collection method: clinical testing. Allele origin: germline.

CeGaT Center for Human Genetics Tuebingen
Classification: Benign. Last evaluated: 2024-05-01. Review status: criteria provided, single submitter. Criteria: CeGaT Center For Human Genetics Tuebingen Variant Classification Criteria Version 2. Collection method: clinical testing. Allele origin: germline. Affected: yes. Observed: 2 variant alleles.
Comment: TSEN54: BP4, BP7, BS1, BS2

GeneDx
Classification: Benign. Last evaluated: 2020-02-09. Review status: criteria provided, single submitter. Criteria: GeneDx Variant Classification Process June 2021. Collection method: clinical testing. Allele origin: germline. Affected: yes.

Illumina Laboratory Services, Illumina
Classification: Benign for Pontoneocerebellar hypoplasia. Last evaluated: 2018-01-13. Review status: criteria provided, single submitter. Criteria: ICSL Variant Classification Criteria 13 December 2019. Collection method: clinical testing. Allele origin: germline.
Comment: This variant was observed in the ICSL laboratory as part of a predisposition screen in an ostensibly healthy population. It had not been previously curated by ICSL or reported in the Human Gene Mutation Database (HGMD: prior to June 1st, 2018), and was therefore a candidate for classification through an automated scoring system. Utilizing variant allele frequency, disease prevalence and penetrance estimates, and inheritance mode, an automated score was calculated to assess if this variant is too frequent to cause the disease. Based on the score and internal cut-off values, a variant classified as benign is not then subjected to further curation. The score for this variant resulted in a classification of benign for this disease.

Genetic Services Laboratory, University of Chicago
Classification: Benign. Last evaluated: 2015-09-30. Review status: criteria provided, single submitter. Criteria: ACMG Guidelines, 2015. Collection method: clinical testing. Allele origin: germline. Affected: no.

Eurofins Ntd Llc (ga)
Classification: Benign. Last evaluated: 2015-03-19. Review status: criteria provided, single submitter. Criteria: EGL Classification Definitions 2015. Collection method: clinical testing. Allele origin: germline. Observed: 1 variant allele, 1 heterozygote.

PreventionGenetics, part of Exact Sciences
Classification: Benign for TSEN54-related condition. Last evaluated: 2019-11-14. Review status: no assertion criteria provided. Collection method: clinical testing. Allele origin: germline. Not counted in ClinVar's aggregate classification.
Comment: This variant is classified as benign based on ACMG/AMP sequence variant interpretation guidelines (Richards et al. 2015 PMID: 25741868, with internal and published modifications).